The following is an entry in ClinVar:

ClinVar aggregate classification (germline): Uncertain significance (1 of 4 stars; one submission).

gnomAD v4.1: 2 of 1,591,520 alleles (0.00013%); highest among the groups gnomAD compares: Non-Finnish European, 0.00017%; no homozygotes.

Submission:

GeneDx
Classification: Uncertain significance. Last evaluated: 2025-09-27. Review status: criteria provided, single submitter. Criteria: GeneDx Variant Classification Process June 2021. Collection method: clinical testing. Allele origin: germline. Affected: yes.
Comment: Not observed at significant frequency in large population cohorts (gnomAD); In silico analysis suggests that this missense variant does not alter protein structure/function; Has not been previously published as pathogenic or benign to our knowledge

NM_020719.3(PRR12):c.3445C>T (p.Pro1149Ser)

Gene: PRR12 (proline rich 12; plus strand). Cytogenetic location: 19q13.33.
Variant type: single nucleotide variant.
Coding change: c.3445C>T on transcript NM_020719.3 (MANE Select); coding-DNA position 3445, C replaced by T.
Protein change: p.Pro1149Ser; replaces proline 1149 with serine.
Molecular consequence: missense variant.
Genome position (GRCh38, 1-based): chr19:49,597,780, C>T. VCF-style: chr19-49597780-C-T. GRCh37 (hg19) VCF-style: chr19-50101037-C-T.
Other names: short protein forms P1149S.
Identifiers: ClinVar variation 2505760 (VCV002505760.3), dbSNP rs1000786509, ClinGen allele CA406883750.
Genomic context (GRCh38, chr19:49,597,780, plus strand): 5'-CGCTCCCGTCCGGCCCTCTCGCCACTGGGGGACATCGACTTCTGCCCACCCAACCCAGGA[C>T]CCGATGGCCCCCGGCGCCGTGGCCGCAAGCCCACGAAGGCGAAACGTGATGGGCCACCCC-3'
Protein context (NP_065770.1, residues 1139-1159): DIDFCPPNPG[Pro1149Ser]DGPRRRGRKP